The following is an entry in ClinVar:

NM_198253.3(TERT):c.1339C>T (p.Arg447Cys)

Gene: TERT (telomerase reverse transcriptase; minus strand). Cytogenetic location: 5p15.33.
Variant type: single nucleotide variant.
Coding change: c.1339C>T on transcript NM_198253.3 (MANE Select); coding-DNA position 1339, C replaced by T.
Protein change: p.Arg447Cys; replaces arginine 447 with cysteine.
Molecular consequence: missense variant. On other transcripts: non-coding transcript variant (2).
Genome position (GRCh38, 1-based): chr5:1,293,547, G>A on the plus strand (C>T on the coding strand, the complement: TERT is on the minus strand). VCF-style: chr5-1293547-G-A. GRCh37 (hg19) VCF-style: chr5-1293662-G-A.
Other names: c.1339C>T, p.Arg447Cys (NM_001193376.3); short protein forms R447C.
Identifiers: ClinVar variation 840740 (VCV000840740.12), dbSNP rs1304418053, ClinGen allele CA359086106.
Genomic context (GRCh38, chr5:1,293,547, plus strand): 5'-CCCGCACGAAGCCGTACACCTGCCAGGGGCTGCTGTGCTGGCGGAGCAGCTGCACCAGGC[G>A]ACGGGGGTCTGTGTCCTCCTCCTCGGGGGCCGCCACAGAGCCCTGGGGCTTCTCCCGGGC-3'
Protein context (NP_937983.2, residues 437-457): APEEEDTDPR[Arg447Cys]LVQLLRQHSS

ClinVar aggregate classification (germline): Conflicting classifications of pathogenicity. Review status: criteria provided, conflicting classifications (1 of 4 stars). 3 submissions from 3 submitters: Uncertain significance (2); Likely benign (1). Last evaluated 2025-10-18.

Conditions:
Dyskeratosis congenita. Identifiers: Orphanet 1775, MedGen C0265965, MONDO:0015780.
Dyskeratosis congenita, autosomal dominant 2. Identifiers: MedGen C3151443, MONDO:0013521, OMIM 613989.
Idiopathic Pulmonary Fibrosis. Also called: Idiopathic fibrosing alveolitis, chronic form; idiopathic fibrosing alveolitis. Identifiers: Orphanet 2032, MedGen C1800706, MeSH D054990, MONDO:0800504.

Allele frequency attached by ClinVar (database versions not stated): TOPMed below 0.00001; gnomAD 0.00001.
gnomAD v4.1: 5 of 1,549,848 alleles (0.00032%); highest among the groups gnomAD compares: Admixed American, 0.0078%; no homozygotes.

Submissions (3):

Labcorp Genetics (formerly Invitae), Labcorp
Classification: Likely benign for Dyskeratosis congenita, autosomal dominant 2; Idiopathic Pulmonary Fibrosis. Last evaluated: 2025-10-18. Review status: criteria provided, single submitter. Criteria: Invitae Variant Classification Sherloc (09022015). Collection method: clinical testing. Allele origin: germline.

Ambry Genetics
Classification: Uncertain significance for Dyskeratosis congenita. Last evaluated: 2025-01-08. Review status: criteria provided, single submitter. Criteria: Ambry Variant Classification Scheme 2023. Collection method: clinical testing. Allele origin: germline.
Comment: The p.R447C variant (also known as c.1339C>T), located in coding exon 2 of the TERT gene, results from a C to T substitution at nucleotide position 1339. The arginine at codon 447 is replaced by cysteine, an amino acid with highly dissimilar properties. This variant was reported in conjunction with TERT p.R742H in an individual from a cohort of 47 patients with severe telomere shortening who presented with pulmonary fibrosis (Arias-Salgado EG et al. Orphanet J Rare Dis, 2019 Apr;14:82). This amino acid position is not well conserved in available vertebrate species. In addition, this alteration is predicted to be tolerated by in silico analysis. Based on the available evidence, the clinical significance of this variant remains unclear.

Baylor Genetics
Classification: Uncertain significance for Dyskeratosis congenita, autosomal dominant 2. Last evaluated: 2023-10-23. Review status: criteria provided, single submitter. Criteria: ACMG Guidelines, 2015. Collection method: clinical testing. Allele origin: unknown.

Literature cited by the submitters: PubMed 30995915 (cited by Ambry Genetics).